The following is an entry in ClinVar:

ClinVar aggregate classification (germline): Conflicting classifications of pathogenicity. Review status: criteria provided, conflicting classifications (1 of 4 stars). 3 submissions from 3 submitters: Uncertain significance (1); Likely benign (1). 1 of the submissions does not count toward it. Last evaluated 2025-12-11.

Conditions:
POLD1-related disorder. Also called: POLD1-related condition; POLD1-related disorders.
Hereditary cancer-predisposing syndrome. Also called: Tumor predisposition; Neoplastic Syndromes, Hereditary; Hereditary Cancer Syndrome; Hereditary neoplastic syndrome. Identifiers: Orphanet 140162, MedGen C0027672, MeSH D009386, MONDO:0015356.
POLD1-related polyposis and colorectal cancer syndrome (CRCS10). Also called: Colorectal cancer 10; COLORECTAL CANCER, SUSCEPTIBILITY TO, ON CHROMOSOME 19q; Colorectal cancer, susceptibility to, 10. Identifiers: Orphanet 220460, MedGen C2675481, MONDO:0012953, OMIM 612591.

Allele frequency attached by ClinVar (database versions not stated): TOPMed 0.00001.
gnomAD v4.1: 29 of 1,614,034 alleles (0.0018%); highest among the groups gnomAD compares: South Asian, 0.0033%; no homozygotes.

Submissions (3):

Labcorp Genetics (formerly Invitae), Labcorp
Classification: Uncertain significance for POLD1-related polyposis and colorectal cancer syndrome. Last evaluated: 2025-12-11. Review status: criteria provided, single submitter. Criteria: Invitae Variant Classification Sherloc (09022015). Collection method: clinical testing. Allele origin: germline.
Comment: This sequence change replaces glycine, which is neutral and non-polar, with tryptophan, which is neutral and slightly polar, at codon 178 of the POLD1 protein (p.Gly178Trp). This variant is present in population databases (rs140707092, gnomAD 0.003%). This variant has not been reported in the literature in individuals affected with POLD1-related conditions. ClinVar contains an entry for this variant (Variation ID: 537071). An algorithm developed to predict the effect of missense changes on protein structure and function (PolyPhen-2) suggests that this variant is likely to be disruptive. In summary, the available evidence is currently insufficient to determine the role of this variant in disease. Therefore, it has been classified as a Variant of Uncertain Significance.

Ambry Genetics
Classification: Likely benign for Hereditary cancer-predisposing syndrome. Last evaluated: 2025-08-22. Review status: criteria provided, single submitter. Criteria: Ambry Variant Classification Scheme 2023. Collection method: clinical testing. Allele origin: germline.

PreventionGenetics, part of Exact Sciences
Classification: Uncertain significance for POLD1-related condition. Last evaluated: 2024-07-13. Review status: no assertion criteria provided. Collection method: clinical testing. Allele origin: germline. Not counted in ClinVar's aggregate classification.
Comment: The POLD1 c.532G>T variant is predicted to result in the amino acid substitution p.Gly178Trp. To our knowledge, this variant has not been reported in the literature. This variant is reported in 0.0033% of alleles in individuals of South Asian descent in gnomAD and is reported as a variant of uncertain significance in ClinVar. At this time, the clinical significance of this variant is uncertain due to the absence of conclusive functional and genetic evidence.

NM_002691.4(POLD1):c.532G>T (p.Gly178Trp)

Gene: POLD1 (DNA polymerase delta 1, catalytic subunit; plus strand). Cytogenetic location: 19q13.33.
Variant type: single nucleotide variant.
Coding change: c.532G>T on transcript NM_002691.4 (MANE Select); coding-DNA position 532, G replaced by T.
Protein change: p.Gly178Trp; replaces glycine 178 with tryptophan.
Molecular consequence: missense variant. On other transcripts: non-coding transcript variant (1).
Genome position (GRCh38, 1-based): chr19:50,402,067, G>T. VCF-style: chr19-50402067-G-T. GRCh37 (hg19) VCF-style: chr19-50905324-G-T.
Other names: c.532G>T, p.Gly178Trp (NM_001256849.1, NM_001308632.1); short protein forms G178W.
Identifiers: ClinVar variation 537071 (VCV000537071.14), dbSNP rs140707092, ClinGen allele CA9595782.
Genomic context (GRCh38, chr19:50,402,067, plus strand): 5'-CCCGAGCACATGGGTGACCTGCAACGGGAGCTGAACTTGGCCATCAGCCGGGACAGTCGC[G>T]GGGGGAGGGAGCTGACTGGGCCGGCCGTGCTGGCTGTGGAACTGTGCTCCCGAGAGAGTG-3'
Protein context (NP_002682.2, residues 168-188): LNLAISRDSR[Gly178Trp]GRELTGPAVL